The following is an entry in ClinVar:

ClinVar aggregate classification (germline): Conflicting classifications of pathogenicity. Review status: criteria provided, conflicting classifications (1 of 4 stars). 6 submissions from 6 submitters: Uncertain significance (4); Benign (1); Likely benign (1). Last evaluated 2025-12-26.

Conditions:
Fanconi anemia complementation group N. Also called: PALB2-Related Fanconi Anemia. Identifiers: Orphanet 84, MedGen C1835817, MONDO:0012565, OMIM 610832. Disease mechanism: loss of function.
Pancreatic cancer, susceptibility to, 3. Identifiers: Orphanet 1333, MedGen C3150547, MONDO:0013236, OMIM 613348.
Familial cancer of breast. Also called: hereditary breast carcinoma; BREAST CANCER, FAMILIAL; Hereditary breast cancer. Identifiers: Orphanet 227535, MedGen C0346153, MONDO:0016419, OMIM 114480. Disease mechanism: loss of function.
Hereditary cancer-predisposing syndrome. Also called: Tumor predisposition; Hereditary Cancer Syndrome; Hereditary neoplastic syndrome; Neoplastic Syndromes, Hereditary. Identifiers: Orphanet 140162, MedGen C0027672, MeSH D009386, MONDO:0015356.

Allele frequency attached by ClinVar (database versions not stated): gnomAD exomes 0.00001; TOPMed 0.00001.
gnomAD v4.1: 9 of 1,614,130 alleles (0.00056%); highest among the groups gnomAD compares: Non-Finnish European, 0.00076%; no homozygotes.

Submissions (6):

Labcorp Genetics (formerly Invitae), Labcorp
Classification: Uncertain significance for Familial cancer of breast. Last evaluated: 2025-12-26. Review status: criteria provided, single submitter. Criteria: Invitae Variant Classification Sherloc (09022015). Collection method: clinical testing. Allele origin: germline.
Comment: This sequence change replaces proline, which is neutral and non-polar, with serine, which is neutral and polar, at codon 358 of the PALB2 protein (p.Pro358Ser). This variant is not present in population databases (gnomAD no frequency). This variant has not been reported in the literature in individuals affected with PALB2-related conditions. ClinVar contains an entry for this variant (Variation ID: 234140). Invitae Evidence Modeling of protein sequence and biophysical properties (such as structural, functional, and spatial information, amino acid conservation, physicochemical variation, residue mobility, and thermodynamic stability) indicates that this missense variant is not expected to disrupt PALB2 protein function with a negative predictive value of 80%. In summary, the available evidence is currently insufficient to determine the role of this variant in disease. Therefore, it has been classified as a Variant of Uncertain Significance.

Myriad Genetics, Inc.
Classification: Benign for Familial cancer of breast. Last evaluated: 2025-01-13. Review status: criteria provided, single submitter. Criteria: Myriad Autosomal Dominant, Autosomal Recessive and X-Linked Classification Criteria (2023). Collection method: clinical testing. Allele origin: unknown.
Comment: This variant is considered benign. This variant is strongly associated with less severe personal and family histories of cancer, typical for individuals without pathogenic variants in this gene [PMID: 25085752]. This variant has been observed in trans with a known pathogenic variant in one or more individuals lacking clinical features consistent with gene-specific recessive disease.

Ambry Genetics
Classification: Likely benign for Hereditary cancer-predisposing syndrome. Last evaluated: 2024-08-01. Review status: criteria provided, single submitter. Criteria: Ambry Variant Classification Scheme 2023. Collection method: clinical testing. Allele origin: germline.

GeneDx
Classification: Uncertain significance. Last evaluated: 2023-12-19. Review status: criteria provided, single submitter. Criteria: GeneDx Variant Classification Process June 2021. Collection method: clinical testing. Allele origin: germline. Affected: yes.
Comment: Not observed at significant frequency in large population cohorts (gnomAD); In silico analysis supports that this missense variant has a deleterious effect on protein structure/function; Has not been previously published as pathogenic or benign to our knowledge; This variant is associated with the following publications: (PMID: 26822949, 28481359)

Fulgent Genetics
Classification: Uncertain significance for Familial cancer of breast; Fanconi anemia complementation group N; Pancreatic cancer, susceptibility to, 3. Last evaluated: 2021-09-23. Review status: criteria provided, single submitter. Criteria: ACMG Guidelines, 2015. Collection method: clinical testing. Allele origin: unknown.

Color Diagnostics, LLC DBA Color Health
Classification: Uncertain significance for Hereditary cancer-predisposing syndrome. Last evaluated: 2020-01-17. Review status: criteria provided, single submitter. Criteria: ACMG Guidelines, 2015. Collection method: clinical testing. Allele origin: germline.
Comment: This missense variant replaces proline with serine at codon 358 of the PALB2 protein. Computational prediction suggests that this variant may not impact protein structure and function (internally defined REVEL score threshold <= 0.5, PMID: 27666373). Splice site prediction tools suggest that this variant may not impact RNA splicing. To our knowledge, functional studies have not been performed for this variant. This variant has not been reported in individuals affected with hereditary cancer in the literature. This variant has not been identified in the general population by the Genome Aggregation Database (gnomAD). The available evidence is insufficient to determine the role of this variant in disease conclusively. Therefore, this variant is classified as a Variant of Uncertain Significance.

Literature cited by the submitters: PubMed 25085752 (cited by Myriad Genetics, Inc.).

NM_024675.4(PALB2):c.1072C>T (p.Pro358Ser)

Gene: PALB2 (partner and localizer of BRCA2; minus strand). Cytogenetic location: 16p12.2.
Variant type: single nucleotide variant.
Coding change: c.1072C>T on transcript NM_024675.4 (MANE Select); coding-DNA position 1072, C replaced by T.
Protein change: p.Pro358Ser; replaces proline 358 with serine.
Molecular consequence: missense variant.
Genome position (GRCh38, 1-based): chr16:23,635,474, G>A on the plus strand (C>T on the coding strand, the complement: PALB2 is on the minus strand). VCF-style: chr16-23635474-G-A. GRCh37 (hg19) VCF-style: chr16-23646795-G-A.
Other names: short protein forms P358S.
Identifiers: ClinVar variation 234140 (VCV000234140.24), dbSNP rs876660876, ClinGen allele CA10580023.